The following is an entry in ClinVar:

NM_177438.3(DICER1):c.265T>C (p.Phe89Leu)

Gene: DICER1 (dicer 1, ribonuclease III; minus strand). Cytogenetic location: 14q32.13.
Variant type: single nucleotide variant.
Coding change: c.265T>C on transcript NM_177438.3 (MANE Select); coding-DNA position 265, T replaced by C.
Protein change: p.Phe89Leu; replaces phenylalanine 89 with leucine.
Molecular consequence: missense variant.
Genome position (GRCh38, 1-based): chr14:95,132,557, A>G on the plus strand (T>C on the coding strand, the complement: DICER1 is on the minus strand). VCF-style: chr14-95132557-A-G. GRCh37 (hg19) VCF-style: chr14-95598894-A-G.
Other names: c.265T>C, p.Phe89Leu (NM_001195573.1, NM_001271282.3, NM_001291628.2 and 1 more transcripts); short protein forms F89L.
Identifiers: ClinVar variation 1465071 (VCV001465071.9), dbSNP rs2140287779, ClinGen allele CA390889758.

ClinVar aggregate classification (germline): Uncertain significance (1 of 4 stars; one submission).

Conditions:
DICER1-related tumor predisposition. Also called: DICER1-related pleuropulmonary blastoma cancer predisposition syndrome; DICER1 syndrome. Identifiers: Orphanet 284343, MedGen C3839822, MONDO:0100216.

Submission:

Labcorp Genetics (formerly Invitae), Labcorp
Classification: Uncertain significance for DICER1-related tumor predisposition. Last evaluated: 2021-01-28. Review status: criteria provided, single submitter. Criteria: Invitae Variant Classification Sherloc (09022015). Collection method: clinical testing. Allele origin: germline.
Comment: In summary, the available evidence is currently insufficient to determine the role of this variant in disease. Therefore, it has been classified as a Variant of Uncertain Significance. Algorithms developed to predict the effect of missense changes on protein structure and function output the following: SIFT: "Tolerated"; PolyPhen-2: "Benign"; Align-GVGD: "Class C0". The leucine amino acid residue is found in multiple mammalian species, suggesting that this missense change does not adversely affect protein function. These predictions have not been confirmed by published functional studies and their clinical significance is uncertain. This variant has not been reported in the literature in individuals with DICER1-related conditions. This variant is not present in population databases (ExAC no frequency). This sequence change replaces phenylalanine with leucine at codon 89 of the DICER1 protein (p.Phe89Leu). The phenylalanine residue is weakly conserved and there is a small physicochemical difference between phenylalanine and leucine.